The following is an entry in ClinVar:

ClinVar aggregate classification (germline): Uncertain significance (1 of 4 stars; one submission).

Submission:

GeneDx
Classification: Uncertain significance. Last evaluated: 2025-10-01. Review status: criteria provided, single submitter. Criteria: GeneDx Variant Classification Process June 2021. Collection method: clinical testing. Allele origin: germline.
Comment: Not observed at significant frequency in large population cohorts (gnomAD); In silico analysis suggests that this missense variant does not alter protein structure/function; Has not been previously published as pathogenic or benign to our knowledge

NM_015021.3(ZNF292):c.5775A>C (p.Lys1925Asn)

Gene: ZNF292 (zinc finger protein 292; plus strand). Cytogenetic location: 6q14.3.
Variant type: single nucleotide variant.
Coding change: c.5775A>C on transcript NM_015021.3 (MANE Select); coding-DNA position 5775, A replaced by C.
Protein change: p.Lys1925Asn; replaces lysine 1925 with asparagine.
Molecular consequence: missense variant.
Genome position (GRCh38, 1-based): chr6:87,259,404, A>C. VCF-style: chr6-87259404-A-C. GRCh37 (hg19) VCF-style: chr6-87969122-A-C.
Other names: c.5355A>C, p.Lys1785Asn (NM_001351444.2); short protein forms K1785N, K1925N.
Identifiers: ClinVar variation 3363384 (VCV003363384.2).
Genomic context (GRCh38, chr6:87,259,404, plus strand): 5'-AAACCAAGGCTGTAACTACAGTGCTATGACAAAGGATGCACTATTTAAGCACTATGGTAA[A>C]ATTCATCAATACACTCCAGAAATGATTCTTGAAATTAAGAAGAATCAATTGAAATTTGCT-3'
Protein context (NP_055836.1, residues 1915-1935): TKDALFKHYG[Lys1925Asn]IHQYTPEMIL